The following is an entry in ClinVar:

NM_018245.3(OGDHL):c.2629G>T (p.Ala877Ser)

Gene: OGDHL (oxoglutarate dehydrogenase L; minus strand). Cytogenetic location: 10q11.23.
Variant type: single nucleotide variant.
Coding change: c.2629G>T on transcript NM_018245.3 (MANE Select); coding-DNA position 2629, G replaced by T.
Protein change: p.Ala877Ser; replaces alanine 877 with serine.
Molecular consequence: missense variant. On other transcripts: non-coding transcript variant (5).
Genome position (GRCh38, 1-based): chr10:49,736,482, C>A on the plus strand (G>T on the coding strand, the complement: OGDHL is on the minus strand). VCF-style: chr10-49736482-C-A. GRCh37 (hg19) VCF-style: chr10-50944528-C-A.
Other names: c.2458G>T, p.Ala820Ser (NM_001143996.2, NM_001347820.1); c.2002G>T, p.Ala668Ser (NM_001143997.2, NM_001347821.2, NM_001347822.1); c.2629G>T, p.Ala877Ser (NM_001347819.1); c.2449G>T, p.Ala817Ser (NM_001347823.1, NM_001347824.2); c.1822G>T, p.Ala608Ser (NM_001347825.2); c.1432G>T, p.Ala478Ser (NM_001347826.1); short protein forms A478S, A608S, A668S, A817S, A820S, A877S.
Identifiers: ClinVar variation 3041207 (VCV003041207.4), dbSNP rs140281439, ClinGen allele CA5498076.
Genomic context (GRCh38, chr10:49,736,482, plus strand): 5'-CATAGTACACCTTTCCCGTGCAGAAGATGAGCCGCTGCACCTGCTCAGGGGCCCGTGCTG[C>A]GGCCCCATCTTCAGGAATCACCCGCTGGAAGCTGGTCCCTGAGGGACCAACAGGACATGG-3'
Protein context (NP_060715.2, residues 867-887): FQRVIPEDGA[Ala877Ser]ARAPEQVQRL

ClinVar aggregate classification (germline): Likely benign. Review status: criteria provided, single submitter (1 of 4 stars). 2 submissions from 2 submitters: Likely benign (1). 1 of the submissions does not count toward it. Last evaluated 2026-09-01.

Conditions:
OGDHL-related disorder. Also called: OGDHL-related condition.

Allele frequency attached by ClinVar (database versions not stated): 1000 Genomes Project 30x 0.00031; 1000 Genomes Project 0.00040; ESP Exome Variant Server 0.00200.
gnomAD v4.1: 3,156 of 1,613,754 alleles (0.2%); highest among the groups gnomAD compares: Non-Finnish European, 0.25%; 7 homozygotes.

Submissions (2):

CeGaT Center for Human Genetics Tuebingen
Classification: Likely benign. Last evaluated: 2026-09-01. Review status: criteria provided, single submitter. Criteria: CeGaT Center For Human Genetics Tuebingen Variant Classification Criteria Version 2. Collection method: clinical testing. Allele origin: germline. Affected: yes. Observed: 2 variant alleles.
Comment: OGDHL: BP4, BS2

PreventionGenetics, part of Exact Sciences
Classification: Likely benign for OGDHL-related condition. Last evaluated: 2022-07-19. Review status: no assertion criteria provided. Collection method: clinical testing. Allele origin: germline. Not counted in ClinVar's aggregate classification.
Comment: This variant is classified as likely benign based on ACMG/AMP sequence variant interpretation guidelines (Richards et al. 2015 PMID: 25741868, with internal and published modifications).